The following is an entry in ClinVar:

NM_000245.4(MET):c.2868A>G (p.Lys956=)

Gene: MET (MET proto-oncogene, receptor tyrosine kinase; plus strand). Cytogenetic location: 7q31.2.
Variant type: single nucleotide variant.
Coding change: c.2868A>G on transcript NM_000245.4 (MANE Select); coding-DNA position 2868, A replaced by G.
Protein change: p.Lys956=; no amino-acid change (lysine 956 retained).
Molecular consequence: synonymous variant.
Genome position (GRCh38, 1-based): chr7:116,771,635, A>G. VCF-style: chr7-116771635-A-G. GRCh37 (hg19) VCF-style: chr7-116411689-A-G.
Other names: c.2922A>G, p.Lys974= (NM_001127500.3); c.1578A>G, p.Lys526= (NM_001324402.2).
Identifiers: ClinVar variation 3773325 (VCV003773325.1).

ClinVar aggregate classification (germline): Benign (1 of 4 stars; one submission).

Conditions:
Papillary renal cell carcinoma type 1 (RCCP1). Also called: Renal adenocarcinoma; Renal cell carcinoma 1; Renal cell carcinoma, somatic; RENAL CELL CARCINOMA, PAPILLARY, 1, SOMATIC. Identifiers: Orphanet 47044, MedGen C1336839, OMIM 605074, HP:0011797.

Submission:

Myriad Genetics, Inc.
Classification: Benign for Papillary renal cell carcinoma type 1. Last evaluated: 2024-11-12. Review status: criteria provided, single submitter. Criteria: Myriad Autosomal Dominant, Autosomal Recessive and X-Linked Classification Criteria (2023). Collection method: clinical testing. Allele origin: unknown.
Comment: This variant is considered benign. This variant is a silent/synonymous amino acid change and it is not expected to impact splicing.